The following is an entry in ClinVar:

NM_001367624.2(ZNF469):c.9017C>T (p.Ala3006Val)

Gene: ZNF469 (zinc finger protein 469; plus strand). Cytogenetic location: 16q24.2.
Variant type: single nucleotide variant.
Coding change: c.9017C>T on transcript NM_001367624.2 (MANE Select); coding-DNA position 9017, C replaced by T.
Protein change: p.Ala3006Val; replaces alanine 3006 with valine.
Molecular consequence: missense variant.
Genome position (GRCh38, 1-based): chr16:88,436,487, C>T. VCF-style: chr16-88436487-C-T. GRCh37 (hg19) VCF-style: chr16-88502895-C-T.
Other names: NM_001127464.1:c.8933C>T; short protein forms A3006V.
Identifiers: ClinVar variation 5032248 (VCV005032248.1).
Genomic context (GRCh38, chr16:88,436,487, plus strand): 5'-CCATTCCTGAGCTGCACATGGTCCCAGCGGCTTGGCGAGGCCTGGAGATGCCGGCCCCTG[C>T]CGATGACTCCTCCTCTTCTCTCGGAGATGTGAGCCCCGAGCCCCCCAGCCTGGAGAGAGA-3'
Protein context (NP_001354553.1, residues 2996-3016): AWRGLEMPAP[Ala3006Val]DDSSSSLGDV

ClinVar aggregate classification (germline): Uncertain significance (1 of 4 stars; one submission).

Conditions:
Cardiovascular phenotype. Identifiers: MedGen CN230736.

gnomAD v4.1: 2 of 1,547,580 alleles (0.00013%); highest among the groups gnomAD compares: African/African-American, 0.0027%; no homozygotes.

Submission:

Ambry Genetics
Classification: Uncertain significance for Cardiovascular phenotype. Last evaluated: 2026-08-10. Review status: criteria provided, single submitter. Criteria: Ambry Variant Classification Scheme 2023. Collection method: clinical testing. Allele origin: germline.
Comment: The p.A2978V variant (also known as c.8933C>T), located in coding exon 2 of the ZNF469 gene, results from a C to T substitution at nucleotide position 8933. The alanine at codon 2978 is replaced by valine, an amino acid with similar properties. This amino acid position is conserved. In addition, this alteration is predicted to be tolerated by in silico analysis. Based on the available evidence, the clinical significance of this variant remains unclear.